The following is an entry in ClinVar:

NM_003737.4(DCHS1):c.3675+7G>T

Gene: DCHS1 (dachsous cadherin-related 1; minus strand). Cytogenetic location: 11p15.4.
Variant type: single nucleotide variant.
Coding change: c.3675+7G>T on transcript NM_003737.4 (MANE Select); 7 bases into the intron after coding-DNA position 3675, G replaced by T.
Molecular consequence: intron variant.
Genome position (GRCh38, 1-based): chr11:6,631,609, C>A on the plus strand (G>T on the coding strand, the complement: DCHS1 is on the minus strand). VCF-style: chr11-6631609-C-A. GRCh37 (hg19) VCF-style: chr11-6652840-C-A.
Identifiers: ClinVar variation 3031168 (VCV003031168.3), dbSNP rs1301369062, ClinGen allele CA679395898.
Genomic context (GRCh38, chr11:6,631,609, plus strand): 5'-CAGCTCTATGGGGAGATCCCCACTCCCTCTCACACTTCTCAGGACAAAGTCCTGCCACTT[C>A]ACATACCTGTATAGGGAGGCCCCCACCAGCAGCTCCTGAAGCCTGCAGGAACGTGGGGCT-3'

ClinVar aggregate classification (germline): Likely benign. Review status: criteria provided, single submitter (1 of 4 stars). 2 submissions from 2 submitters: Likely benign (1). 1 of the submissions does not count toward it. Last evaluated 2026-01-22.

Conditions:
DCHS1-related disorder. Also called: DCHS1-related condition.

Allele frequency attached by ClinVar (database versions not stated): gnomAD exomes below 0.00001; TOPMed 0.00001.
gnomAD v4.1: 1 of 1,567,888 alleles (0.000064%); highest among the groups gnomAD compares: Admixed American, 0.0018%; no homozygotes.

Submissions (2):

Labcorp Genetics (formerly Invitae), Labcorp
Classification: Likely benign. Last evaluated: 2026-01-22. Review status: criteria provided, single submitter. Criteria: Invitae Variant Classification Sherloc (09022015). Collection method: clinical testing. Allele origin: germline.

PreventionGenetics, part of Exact Sciences
Classification: Likely benign for DCHS1-related condition. Last evaluated: 2024-01-13. Review status: no assertion criteria provided. Collection method: clinical testing. Allele origin: germline. Not counted in ClinVar's aggregate classification.
Comment: This variant is classified as likely benign based on ACMG/AMP sequence variant interpretation guidelines (Richards et al. 2015 PMID: 25741868, with internal and published modifications).